The following is an entry in ClinVar:

ClinVar aggregate classification (germline): Uncertain significance (1 of 4 stars; one submission).

Allele frequency attached by ClinVar (database versions not stated): gnomAD exomes below 0.00001.
gnomAD v4.1: 5 of 1,612,216 alleles (0.00031%); highest among the groups gnomAD compares: Non-Finnish European, 0.00042%; no homozygotes.

Submission:

Labcorp Genetics (formerly Invitae), Labcorp
Classification: Uncertain significance. Last evaluated: 2023-01-01. Review status: criteria provided, single submitter. Criteria: Invitae Variant Classification Sherloc (09022015). Collection method: clinical testing. Allele origin: germline.
Comment: ClinVar contains an entry for this variant (Variation ID: 1468816). In summary, the available evidence is currently insufficient to determine the role of this variant in disease. Therefore, it has been classified as a Variant of Uncertain Significance. Advanced modeling of protein sequence and biophysical properties (such as structural, functional, and spatial information, amino acid conservation, physicochemical variation, residue mobility, and thermodynamic stability) performed at Invitae indicates that this missense variant is not expected to disrupt TNNI3K protein function. This variant has not been reported in the literature in individuals affected with TNNI3K-related conditions. This variant is present in population databases (no rsID available, gnomAD 0.0009%). This sequence change replaces histidine, which is basic and polar, with arginine, which is basic and polar, at codon 403 of the TNNI3K protein (p.His403Arg).

NM_015978.3(TNNI3K):c.1208A>G (p.His403Arg)

Genes: FPGT-TNNI3K (FPGT-TNNI3K readthrough; plus strand), TNNI3K (TNNI3 interacting kinase; plus strand). Cytogenetic location: 1p31.1.
Variant type: single nucleotide variant.
Coding change: c.1208A>G on transcript NM_015978.3 (MANE Select); coding-DNA position 1208, A replaced by G.
Protein change: p.His403Arg; replaces histidine 403 with arginine.
Molecular consequence: missense variant.
Genome position (GRCh38, 1-based): chr1:74,367,286, A>G. VCF-style: chr1-74367286-A-G. GRCh37 (hg19) VCF-style: chr1-74832970-A-G.
Other names: c.1511A>G, p.His504Arg (NM_001112808.3, NM_001199327.2); short protein forms H403R, H504R.
Identifiers: ClinVar variation 1468816 (VCV001468816.6), dbSNP rs1462734477, ClinGen allele CA340785436.